The following is an entry in ClinVar:

ClinVar aggregate classification (germline): Uncertain significance (1 of 4 stars; one submission).

Conditions:
Hermansky-Pudlak syndrome 2 (HPS2). Also called: Platelet defects and oculocutaneous albinism. Identifiers: Orphanet 183678, Orphanet 79430, MedGen C1842362, MONDO:0011997, OMIM 608233.

Allele frequency attached by ClinVar (database versions not stated): gnomAD exomes below 0.00001.
gnomAD v4.1: 1 of 1,613,978 alleles (0.000062%); highest among the groups gnomAD compares: Non-Finnish European, 0.000085%; no homozygotes.

Submission:

Labcorp Genetics (formerly Invitae), Labcorp
Classification: Uncertain significance for Hermansky-Pudlak syndrome 2. Last evaluated: 2023-06-20. Review status: criteria provided, single submitter. Criteria: Invitae Variant Classification Sherloc (09022015). Collection method: clinical testing. Allele origin: germline.
Comment: In summary, the available evidence is currently insufficient to determine the role of this variant in disease. Therefore, it has been classified as a Variant of Uncertain Significance. An algorithm developed to predict the effect of missense changes on protein structure and function (PolyPhen-2) suggests that this variant is likely to be disruptive. ClinVar contains an entry for this variant (Variation ID: 1480059). This variant has not been reported in the literature in individuals affected with AP3B1-related conditions. This variant is not present in population databases (gnomAD no frequency). This sequence change replaces proline, which is neutral and non-polar, with threonine, which is neutral and polar, at codon 892 of the AP3B1 protein (p.Pro892Thr).

NM_003664.5(AP3B1):c.2674C>A (p.Pro892Thr)

Gene: AP3B1 (adaptor related protein complex 3 subunit beta 1; minus strand). Cytogenetic location: 5q14.1.
Variant type: single nucleotide variant.
Coding change: c.2674C>A on transcript NM_003664.5 (MANE Select); coding-DNA position 2674, C replaced by A.
Protein change: p.Pro892Thr; replaces proline 892 with threonine.
Molecular consequence: missense variant.
Genome position (GRCh38, 1-based): chr5:78,039,178, G>T on the plus strand (C>A on the coding strand, the complement: AP3B1 is on the minus strand). VCF-style: chr5-78039178-G-T. GRCh37 (hg19) VCF-style: chr5-77335002-G-T.
Other names: c.2527C>A, p.Pro843Thr (NM_001271769.2); short protein forms P843T, P892T.
Identifiers: ClinVar variation 1480059 (VCV001480059.8), dbSNP rs2112100401, ClinGen allele CA360332139.